The following is an entry in ClinVar:

NM_015175.3(NBEAL2):c.1389C>T (p.Pro463=)

Gene: NBEAL2 (neurobeachin like 2; plus strand). Cytogenetic location: 3p21.31.
Variant type: single nucleotide variant.
Coding change: c.1389C>T on transcript NM_015175.3 (MANE Select); coding-DNA position 1389, C replaced by T.
Protein change: p.Pro463=; no amino-acid change (proline 463 retained).
Molecular consequence: synonymous variant.
Genome position (GRCh38, 1-based): chr3:46,995,124, C>T. VCF-style: chr3-46995124-C-T. GRCh37 (hg19) VCF-style: chr3-47036614-C-T.
Other names: c.1287C>T, p.Pro429= (NM_001365116.2).
Identifiers: ClinVar variation 4987113 (VCV004987113.1).

ClinVar aggregate classification (germline): Likely benign (1 of 4 stars; one submission).

Conditions:
NBEAL2-related disorder. Also called: NBEAL2-related condition.

gnomAD v4.1: 4 of 1,574,846 alleles (0.00025%); highest among the groups gnomAD compares: Non-Finnish European, 0.00034%; no homozygotes.

Submission:

PreventionGenetics, part of Exact Sciences
Classification: Likely benign for NBEAL2-related condition. Last evaluated: 2026-07-28. Review status: criteria provided, single submitter. Criteria: ACMG Guidelines, 2015. Collection method: clinical testing. Allele origin: germline.
Comment: This variant is classified as likely benign based on ACMG/AMP sequence variant interpretation guidelines (Richards et al. 2015 PMID: 25741868, with internal and published modifications).